The following is an entry in ClinVar:

NM_000136.3(FANCC):c.930A>C (p.Glu310Asp)

Genes: FANCC (FA complementation group C; minus strand), AOPEP (aminopeptidase O (putative); plus strand). Cytogenetic location: 9q22.32.
Variant type: single nucleotide variant.
Coding change: c.930A>C on transcript NM_000136.3 (MANE Select); coding-DNA position 930, A replaced by C.
Protein change: p.Glu310Asp; replaces glutamic acid 310 with aspartic acid.
Molecular consequence: missense variant.
Genome position (GRCh38, 1-based): chr9:95,125,152, T>G on the plus strand (A>C on the coding strand, the complement: FANCC is on the minus strand). VCF-style: chr9-95125152-T-G. GRCh37 (hg19) VCF-style: chr9-97887434-T-G.
Other names: c.930A>C, p.Glu310Asp (NM_001243743.2, NM_001243744.2); short protein forms E310D.
Identifiers: ClinVar variation 1766514 (VCV001766514.2), dbSNP rs2541138981, ClinGen allele CA374108968.

ClinVar aggregate classification (germline): Uncertain significance (1 of 4 stars; one submission).

Conditions:
Hereditary cancer-predisposing syndrome. Also called: Hereditary Cancer Syndrome; Hereditary neoplastic syndrome; Neoplastic Syndromes, Hereditary; Tumor predisposition. Identifiers: Orphanet 140162, MedGen C0027672, MeSH D009386, MONDO:0015356.

Submission:

Ambry Genetics
Classification: Uncertain significance for Hereditary cancer-predisposing syndrome. Last evaluated: 2022-05-27. Review status: criteria provided, single submitter. Criteria: Ambry Variant Classification Scheme 2023. Collection method: clinical testing. Allele origin: germline.
Comment: The p.E310D variant (also known as c.930A>C), located in coding exon 9 of the FANCC gene, results from an A to C substitution at nucleotide position 930. The glutamic acid at codon 310 is replaced by aspartic acid, an amino acid with highly similar properties. This amino acid position is conserved. In addition, this alteration is predicted to be tolerated by in silico analysis. Since supporting evidence is limited at this time, the clinical significance of this alteration remains unclear.